The following is an entry in ClinVar:

NM_014956.5(CEP164):c.275A>G (p.Tyr92Cys)

Gene: CEP164 (centrosomal protein 164; plus strand). Cytogenetic location: 11q23.3.
Variant type: single nucleotide variant.
Coding change: c.275A>G on transcript NM_014956.5 (MANE Select); coding-DNA position 275, A replaced by G.
Protein change: p.Tyr92Cys; replaces tyrosine 92 with cysteine.
Molecular consequence: missense variant.
Genome position (GRCh38, 1-based): chr11:117,351,870, A>G. VCF-style: chr11-117351870-A-G. GRCh37 (hg19) VCF-style: chr11-117222586-A-G.
Other names: c.275A>G, p.Tyr92Cys (NM_001271933.2); short protein forms Y92C.
Identifiers: ClinVar variation 2122570 (VCV002122570.4), dbSNP rs368866122, ClinGen allele CA229380205.

ClinVar aggregate classification (germline): Uncertain significance (1 of 4 stars; one submission).

Conditions:
Nephronophthisis 15 (NPHP15). Identifiers: Orphanet 3156, MedGen C3541853, MONDO:0013917, OMIM 614845.

Allele frequency attached by ClinVar (database versions not stated): gnomAD 0.00001; TOPMed 0.00001; ESP Exome Variant Server 0.00008.
gnomAD v4.1: 1 of 1,613,644 alleles (0.000062%); highest among the groups gnomAD compares: African/African-American, 0.0013%; no homozygotes.

Submission:

Labcorp Genetics (formerly Invitae), Labcorp
Classification: Uncertain significance for Nephronophthisis 15. Last evaluated: 2022-04-26. Review status: criteria provided, single submitter. Criteria: Invitae Variant Classification Sherloc (09022015). Collection method: clinical testing. Allele origin: germline.
Comment: In summary, the available evidence is currently insufficient to determine the role of this variant in disease. Therefore, it has been classified as a Variant of Uncertain Significance. Algorithms developed to predict the effect of missense changes on protein structure and function (SIFT, PolyPhen-2, Align-GVGD) all suggest that this variant is likely to be disruptive. This variant has not been reported in the literature in individuals affected with CEP164-related conditions. This variant is present in population databases (rs368866122, gnomAD 0.007%). This sequence change replaces tyrosine, which is neutral and polar, with cysteine, which is neutral and slightly polar, at codon 92 of the CEP164 protein (p.Tyr92Cys).